The following is an entry in ClinVar:

NM_020884.7(MYH7B):c.615C>T (p.Gly205=)

Gene: MYH7B (myosin heavy chain 7B; plus strand). Cytogenetic location: 20q11.22.
Variant type: single nucleotide variant.
Coding change: c.615C>T on transcript NM_020884.7 (MANE Select); coding-DNA position 615, C replaced by T.
Protein change: p.Gly205=; no amino-acid change (glycine 205 retained).
Molecular consequence: synonymous variant.
Genome position (GRCh38, 1-based): chr20:34,982,546, C>T. VCF-style: chr20-34982546-C-T. GRCh37 (hg19) VCF-style: chr20-33570349-C-T.
Identifiers: ClinVar variation 2051508 (VCV002051508.4), dbSNP rs750040360, ClinGen allele CA9826530.

ClinVar aggregate classification (germline): Uncertain significance (1 of 4 stars; one submission).

gnomAD v4.1: 13 of 1,605,146 alleles (0.00081%); highest among the groups gnomAD compares: Admixed American, 0.022%; no homozygotes.

Submission:

Labcorp Genetics (formerly Invitae), Labcorp
Classification: Uncertain significance. Last evaluated: 2024-08-28. Review status: criteria provided, single submitter. Criteria: Invitae Variant Classification Sherloc (09022015). Collection method: clinical testing. Allele origin: germline.
Comment: This sequence change affects codon 247 of the MYH7B mRNA. It is a 'silent' change, meaning that it does not change the encoded amino acid sequence of the MYH7B protein. This variant is present in population databases (rs750040360, gnomAD 0.04%). This variant has not been reported in the literature in individuals affected with MYH7B-related conditions. ClinVar contains an entry for this variant (Variation ID: 2051508). Algorithms developed to predict the effect of sequence changes on RNA splicing suggest that this variant may disrupt the consensus splice site. In summary, the available evidence is currently insufficient to determine the role of this variant in disease. Therefore, it has been classified as a Variant of Uncertain Significance.